The following is an entry in ClinVar:

ClinVar aggregate classification (germline): Uncertain significance. Review status: criteria provided, multiple submitters, no conflicts (2 of 4 stars). 3 submissions from 3 submitters: Uncertain significance (3). Last evaluated 2024-10-12.

Conditions:
Tumor predisposition syndrome 3 (TPDS3). Also called: Melanoma, cutaneous malignant, susceptibility to, 10; Glioma susceptibility 9; LONG TELOMERE SYNDROME, POT1-RELATED; POT1 Tumor Predisposition. Identifiers: Orphanet 618, MedGen C4014476, MONDO:0014368, OMIM 615848.
Hereditary cancer-predisposing syndrome. Also called: Neoplastic Syndromes, Hereditary; Tumor predisposition; Hereditary Cancer Syndrome; Hereditary neoplastic syndrome. Identifiers: Orphanet 140162, MedGen C0027672, MeSH D009386, MONDO:0015356.

Submissions (3):

Ambry Genetics
Classification: Uncertain significance for Hereditary cancer-predisposing syndrome. Last evaluated: 2024-10-12. Review status: criteria provided, single submitter. Criteria: Ambry Variant Classification Scheme 2023. Collection method: clinical testing. Allele origin: germline.
Comment: The p.V156A variant (also known as c.467T>C), located in coding exon 4 of the POT1 gene, results from a T to C substitution at nucleotide position 467. The valine at codon 156 is replaced by alanine, an amino acid with similar properties. This amino acid position is conserved. In addition, this alteration is predicted to be tolerated by in silico analysis. Based on the available evidence, the clinical significance of this variant remains unclear.

GeneDx
Classification: Uncertain significance. Last evaluated: 2023-11-29. Review status: criteria provided, single submitter. Criteria: GeneDx Variant Classification Process June 2021. Collection method: clinical testing. Allele origin: germline. Affected: yes.
Comment: Not observed at significant frequency in large population cohorts (gnomAD); In silico analysis supports that this missense variant does not alter protein structure/function; Has not been previously published as pathogenic or benign to our knowledge

Labcorp Genetics (formerly Invitae), Labcorp
Classification: Uncertain significance for Tumor predisposition syndrome 3. Last evaluated: 2022-07-06. Review status: criteria provided, single submitter. Criteria: Invitae Variant Classification Sherloc (09022015). Collection method: clinical testing. Allele origin: germline.
Comment: In summary, the available evidence is currently insufficient to determine the role of this variant in disease. Therefore, it has been classified as a Variant of Uncertain Significance. This variant is not present in population databases (gnomAD no frequency). This sequence change replaces valine, which is neutral and non-polar, with alanine, which is neutral and non-polar, at codon 156 of the POT1 protein (p.Val156Ala). This variant has not been reported in the literature in individuals affected with POT1-related conditions. Algorithms developed to predict the effect of missense changes on protein structure and function output the following: SIFT: "Tolerated"; PolyPhen-2: "Possibly Damaging"; Align-GVGD: "Class C0". The alanine amino acid residue is found in multiple mammalian species, which suggests that this missense change does not adversely affect protein function. ClinVar contains an entry for this variant (Variation ID: 1356060).

NM_015450.3(POT1):c.467T>C (p.Val156Ala)

Gene: POT1 (protection of telomeres 1; minus strand). Cytogenetic location: 7q31.33.
Variant type: single nucleotide variant.
Coding change: c.467T>C on transcript NM_015450.3 (MANE Select); coding-DNA position 467, T replaced by C.
Protein change: p.Val156Ala; replaces valine 156 with alanine.
Molecular consequence: missense variant. On other transcripts: non-coding transcript variant (3).
Genome position (GRCh38, 1-based): chr7:124,863,429, A>G on the plus strand (T>C on the coding strand, the complement: POT1 is on the minus strand). VCF-style: chr7-124863429-A-G. GRCh37 (hg19) VCF-style: chr7-124503483-A-G.
Other names: c.74T>C, p.Val25Ala (NM_001042594.2); c.467T>C (NM_015450.2); short protein forms V156A, V25A.
Identifiers: ClinVar variation 1356060 (VCV001356060.10), dbSNP rs2116541631, ClinGen allele CA369059091.
Genomic context (GRCh38, chr7:124,863,429, plus strand): 5'-CCGTCCACTTCTGCTTTGCCCAAGAGCTGACAAGTCAGGTCAAAATACTGCATTGGCTGA[A>G]CATCACACAATTTTAGTAATGTCCAAGACGGTGACATATGAGTAGATGCCCAAACACGTA-3'
Protein context (NP_056265.2, residues 146-166): PSWTLLKLCD[Val156Ala]QPMQYFDLTC